The following is an entry in ClinVar:

NM_004369.4(COL6A3):c.4311T>C (p.Ile1437=)

Gene: COL6A3 (collagen type VI alpha 3 chain; minus strand). Cytogenetic location: 2q37.3.
Variant type: single nucleotide variant.
Coding change: c.4311T>C on transcript NM_004369.4 (MANE Select); coding-DNA position 4311, T replaced by C.
Protein change: p.Ile1437=; no amino-acid change (isoleucine 1437 retained).
Molecular consequence: synonymous variant.
Genome position (GRCh38, 1-based): chr2:237,369,152, A>G on the plus strand (T>C on the coding strand, the complement: COL6A3 is on the minus strand). VCF-style: chr2-237369152-A-G. GRCh37 (hg19) VCF-style: chr2-238277795-A-G.
Other names: p.Ile1437=; c.2490T>C, p.Ile830= (NM_057166.5); c.3693T>C, p.Ile1231= (NM_057167.4).
Identifiers: ClinVar variation 94933 (VCV000094933.31), dbSNP rs2646260, ClinGen allele CA147965.

ClinVar aggregate classification (germline): Benign. Review status: criteria provided, multiple submitters, no conflicts (2 of 4 stars). 15 submissions from 13 submitters: Benign (12). 3 of the submissions do not count toward it. Last evaluated 2026-02-04.

Conditions:
Dystonia 27 (DYT27). Identifiers: Orphanet 464440, MedGen C4225336, MONDO:0014627, OMIM 616411.
Collagen 6-related myopathy. Identifiers: MedGen CN117976, MONDO:0100225.
Ullrich congenital muscular dystrophy 1A. Also called: Ullrich congenital muscular dystrophy 1; Intermediate COL6-RD. Identifiers: Orphanet 75840, MedGen C0410179, MONDO:0009681, OMIM 254090.
Bethlem myopathy 1A. Also called: Bethlem myopathy 1; Bethlem Muscular Dystrophy; MYOPATHY, BENIGN CONGENITAL, WITH CONTRACTURES. Identifiers: Orphanet 610, MedGen CN029274, MONDO:0024530, OMIM 158810.

Allele frequency attached by ClinVar (database versions not stated): ESP Exome Variant Server 0.34707; TOPMed 0.36197; 1000 Genomes Project 30x 0.40100; ExAC 0.28888; 1000 Genomes Project 0.38838.
gnomAD v4.1: 428,134 of 1,612,410 alleles (27%); highest among the groups gnomAD compares: African/African-American, 58%; 62,245 homozygotes.

Submissions (15):

Labcorp Genetics (formerly Invitae), Labcorp
Classification: Benign for Bethlem myopathy 1A. Last evaluated: 2026-02-04. Review status: criteria provided, single submitter. Criteria: Invitae Variant Classification Sherloc (09022015). Collection method: clinical testing. Allele origin: germline.

Unidad de Genómica Garrahan, Hospital de Pediatría Garrahan
Classification: Benign. Last evaluated: 2024-07-31. Review status: criteria provided, single submitter. Criteria: ACMG Guidelines, 2015. Collection method: clinical testing. Allele origin: germline. Affected: no. Observed: 56 variant alleles.
Comment: This variant is classified as Benign based on local population frequency. This variant was detected in 60% of patients studied in a panel designed for Epileptic and Developmental Encephalopathy, Progressive Myoclonus Epilepsy and Abnormal Movements and Neurodegeneration with brain iron accumulation. Number of patients: 56. Only high quality variants are reported.

Genome-Nilou Lab
Classification: Benign for Bethlem myopathy 1A. Last evaluated: 2021-07-30. Review status: criteria provided, single submitter. Criteria: ACMG Guidelines, 2015. Collection method: clinical testing. Allele origin: germline. Affected: no.

Genome-Nilou Lab
Classification: Benign for Dystonia 27. Last evaluated: 2021-07-30. Review status: criteria provided, single submitter. Criteria: ACMG Guidelines, 2015. Collection method: clinical testing. Allele origin: germline. Affected: no.

Genome-Nilou Lab
Classification: Benign for Ullrich congenital muscular dystrophy 1A. Last evaluated: 2021-07-30. Review status: criteria provided, single submitter. Criteria: ACMG Guidelines, 2015. Collection method: clinical testing. Allele origin: germline. Affected: no.

Illumina Laboratory Services, Illumina
Classification: Benign for Collagen VI-related myopathy. Last evaluated: 2018-01-13. Review status: criteria provided, single submitter. Criteria: ICSL Variant Classification Criteria 13 December 2019. Collection method: clinical testing. Allele origin: germline.
Comment: This variant was observed in the ICSL laboratory as part of a predisposition screen in an ostensibly healthy population. It had not been previously curated by ICSL or reported in the Human Gene Mutation Database (HGMD: prior to June 1st, 2018), and was therefore a candidate for classification through an automated scoring system. Utilizing variant allele frequency, disease prevalence and penetrance estimates, and inheritance mode, an automated score was calculated to assess if this variant is too frequent to cause the disease. Based on the score and internal cut-off values, a variant classified as benign is not then subjected to further curation. The score for this variant resulted in a classification of benign for this disease.

Mayo Clinic Laboratories, Mayo Clinic
Classification: Benign. Last evaluated: 2017-07-12. Review status: criteria provided, single submitter. Criteria: ACMG Guidelines, 2015. Collection method: clinical testing. Allele origin: germline. Observed: 366 variant alleles.

GeneDx
Classification: Benign. Last evaluated: 2016-01-28. Review status: criteria provided, single submitter. Criteria: GeneDx Variant Classification (06012015). Collection method: clinical testing. Allele origin: germline. Affected: yes.
Comment: This variant is considered likely benign or benign based on one or more of the following criteria: it is a conservative change, it occurs at a poorly conserved position in the protein, it is predicted to be benign by multiple in silico algorithms, and/or has population frequency not consistent with disease.

Genetic Services Laboratory, University of Chicago
Classification: Benign for AllHighlyPenetrant. Last evaluated: 2013-08-15. Review status: criteria provided, single submitter. Criteria: ACMG Guidelines, 2007. Collection method: clinical testing. Allele origin: germline.

Eurofins Ntd Llc (ga)
Classification: Benign. Last evaluated: 2012-07-31. Review status: criteria provided, single submitter. Criteria: EGL Classification Definitions 2015. Collection method: clinical testing. Allele origin: germline. Observed: 46 variant alleles, 37 heterozygotes, 9 homozygotes.

Breakthrough Genomics
Classification: Benign. Review status: criteria provided, single submitter. Criteria: ACMG Guidelines, 2015. Collection method: not provided. Allele origin: germline. Inheritance: Autosomal recessive inheritance. Affected: yes.

PreventionGenetics, part of Exact Sciences
Classification: Benign. Review status: criteria provided, single submitter. Criteria: ACMG Guidelines, 2015. Collection method: clinical testing. Allele origin: germline.

Clinical Genetics, Academic Medical Center
Classification: Benign. Review status: no assertion criteria provided. Collection method: clinical testing. Allele origin: germline. Affected: yes. Study: VKGL Data-share Consensus. Not counted in ClinVar's aggregate classification.

Genome Diagnostics Laboratory, University Medical Center Utrecht
Classification: Benign. Review status: no assertion criteria provided. Collection method: clinical testing. Allele origin: germline. Affected: yes. Study: VKGL Data-share Consensus. Not counted in ClinVar's aggregate classification.

Joint Genome Diagnostic Labs from Nijmegen and Maastricht, Radboudumc and MUMC+
Classification: Benign. Review status: no assertion criteria provided. Collection method: clinical testing. Allele origin: germline. Affected: yes. Study: VKGL Data-share Consensus. Not counted in ClinVar's aggregate classification.